The following is an entry in ClinVar:

NM_002692.4(POLE2):c.1064T>C (p.Ile355Thr)

Gene: POLE2 (DNA polymerase epsilon 2, accessory subunit; minus strand). Cytogenetic location: 14q21.3.
Variant type: single nucleotide variant.
Coding change: c.1064T>C on transcript NM_002692.4 (MANE Select); coding-DNA position 1064, T replaced by C.
Protein change: p.Ile355Thr; replaces isoleucine 355 with threonine.
Molecular consequence: missense variant.
Genome position (GRCh38, 1-based): chr14:49,654,793, A>G on the plus strand (T>C on the coding strand, the complement: POLE2 is on the minus strand). VCF-style: chr14-49654793-A-G. GRCh37 (hg19) VCF-style: chr14-50121511-A-G.
Other names: c.986T>C, p.Ile329Thr (NM_001197330.2); c.1064T>C, p.Ile355Thr (NM_001197331.3, NM_001348384.2); c.833T>C, p.Ile278Thr (NM_001348385.2); short protein forms I278T, I329T, I355T.
Identifiers: ClinVar variation 3609066 (VCV003609066.2).
Genomic context (GRCh38, chr14:49,654,793, plus strand): 5'-TTTTTTTTTAAGTAAAACGGTGAAAAAATATATAGTGCTAGAGATCATTACCTTTGGTGA[A>G]TATCTGGGTATTCACATATTATATCTGCCAAAGTTTTTAGGGAATCTAAAATTTTAAAAA-3'
Protein context (NP_002683.2, residues 345-365): LADIICEYPD[Ile355Thr]HQSSRFVFVP

ClinVar aggregate classification (germline): Uncertain significance (1 of 4 stars; one submission).

gnomAD v4.1: 1 of 1,486,830 alleles (0.000067%); highest among the groups gnomAD compares: Admixed American, 0.0027%; no homozygotes.

Submission:

Labcorp Genetics (formerly Invitae), Labcorp
Classification: Uncertain significance. Last evaluated: 2024-02-11. Review status: criteria provided, single submitter. Criteria: Invitae Variant Classification Sherloc (09022015). Collection method: clinical testing. Allele origin: germline.
Comment: This sequence change replaces isoleucine, which is neutral and non-polar, with threonine, which is neutral and polar, at codon 355 of the POLE2 protein (p.Ile355Thr). This variant is not present in population databases (gnomAD no frequency). This variant has not been reported in the literature in individuals affected with POLE2-related conditions. An algorithm developed to predict the effect of missense changes on protein structure and function (PolyPhen-2) suggests that this variant is likely to be disruptive. In summary, the available evidence is currently insufficient to determine the role of this variant in disease. Therefore, it has been classified as a Variant of Uncertain Significance.